The following is an entry in ClinVar:

NM_001256071.3(RNF213):c.4661G>A (p.Gly1554Asp)

Gene: RNF213 (ring finger protein 213; plus strand). Cytogenetic location: 17q25.3.
Variant type: single nucleotide variant.
Coding change: c.4661G>A on transcript NM_001256071.3 (MANE Select); coding-DNA position 4661, G replaced by A.
Protein change: p.Gly1554Asp; replaces glycine 1554 with aspartic acid.
Molecular consequence: missense variant.
Genome position (GRCh38, 1-based): chr17:80,337,719, G>A. VCF-style: chr17-80337719-G-A. GRCh37 (hg19) VCF-style: chr17-78311519-G-A.
Other names: c.4808G>A, p.Gly1603Asp (NM_001410195.1, NM_020914.5); short protein forms G1603D, G1554D.
Identifiers: ClinVar variation 3679785 (VCV003679785.2).

ClinVar aggregate classification (germline): Uncertain significance (1 of 4 stars; one submission).

Submission:

Labcorp Genetics (formerly Invitae), Labcorp
Classification: Uncertain significance. Last evaluated: 2024-05-17. Review status: criteria provided, single submitter. Criteria: Invitae Variant Classification Sherloc (09022015). Collection method: clinical testing. Allele origin: germline.
Comment: This sequence change replaces glycine, which is neutral and non-polar, with aspartic acid, which is acidic and polar, at codon 1554 of the RNF213 protein (p.Gly1554Asp). This variant is not present in population databases (gnomAD no frequency). This variant has not been reported in the literature in individuals affected with RNF213-related conditions. Algorithms developed to predict the effect of missense changes on protein structure and function output the following: SIFT: "Not Available"; PolyPhen-2: "Benign"; Align-GVGD: "Not Available". The aspartic acid amino acid residue is found in multiple mammalian species, which suggests that this missense change does not adversely affect protein function. In summary, the available evidence is currently insufficient to determine the role of this variant in disease. Therefore, it has been classified as a Variant of Uncertain Significance.